The following is an entry in ClinVar:

ClinVar aggregate classification (germline): Pathogenic (1 of 4 stars; one submission).

Conditions:
DICER1-related tumor predisposition. Also called: DICER1-related pleuropulmonary blastoma cancer predisposition syndrome; DICER1 syndrome. Identifiers: Orphanet 284343, MedGen C3839822, MONDO:0100216.

Submission:

Foulkes Cancer Genetics LDI, Lady Davis Institute for Medical Research
Classification: Pathogenic for Pleuropulmonary blastoma. Last evaluated: 2019-07-01. Review status: criteria provided, single submitter. Criteria: ACMG Guidelines, 2015. Collection method: curation. Allele origin: unknown. Affected: yes. Observed: 1 variant allele.
Comment: ACMG criteria met: PVS1, PM2, PP4

Literature cited by the submitters: PubMed 25022261.

NM_177438.3(DICER1):c.3280_3281del (p.Leu1094fs)

Gene: DICER1 (dicer 1, ribonuclease III; minus strand). Cytogenetic location: 14q32.13.
Variant type: Deletion.
Coding change: c.3280_3281del on transcript NM_177438.3 (MANE Select); coding-DNA positions 3280 to 3281, 2 bases deleted (TT; older notation c.3280_3281delTT).
Protein change: p.Leu1094fs; shifts the reading frame from leucine 1094.
Molecular consequence: frameshift variant.
Genome position (GRCh38, 1-based): chr14:95,104,115-95,104,116, AA deleted on the plus strand (TT on the coding strand, the reverse complement: DICER1 is on the minus strand). VCF-style (leftmost placement, unchanged base first): chr14-95104114-TAA-T. GRCh37 (hg19) VCF-style: chr14-95570451-TAA-T.
Other names: c.3280_3281del, p.Leu1094fs (NM_001195573.1, NM_001271282.3, NM_001291628.2 and 1 more transcripts); short protein forms L1094fs.
Identifiers: ClinVar variation 932977 (VCV000932977.3), dbSNP rs1891196863, ClinGen allele CA645578797.